The following is an entry in ClinVar:

NM_001015880.2(PAPSS2):c.51del (p.Asn17fs)

Gene: PAPSS2 (3'-phosphoadenosine 5'-phosphosulfate synthase 2; plus strand). Cytogenetic location: 10q23.31.
Variant type: Deletion.
Coding change: c.51del on transcript NM_001015880.2 (MANE Select); coding-DNA position 51, one base deleted (T; older notation c.51delT).
Protein change: p.Asn17fs; shifts the reading frame from asparagine 17.
Molecular consequence: frameshift variant.
Genome position (GRCh38, 1-based): chr10:87,709,219, T deleted. VCF-style (leftmost placement, unchanged base first): chr10-87709218-AT-A. GRCh37 (hg19) VCF-style: chr10-89468975-AT-A.
Other names: c.51del, p.Asn17fs (NM_004670.4); short protein forms N17fs.
Identifiers: ClinVar variation 4880565 (VCV004880565.2).

ClinVar aggregate classification (germline): Likely pathogenic (1 of 4 stars; one submission).

Submission:

Dasa
Classification: Likely pathogenic. Last evaluated: 2026-03-12. Review status: criteria provided, single submitter. Criteria: DASA Assertion Criteria. Collection method: clinical testing. Allele origin: germline.
Comment: NM_001015880.2(PAPSS2):c.51del (p.Asn17Lysfs*2) is a frameshift variant in PAPSS2 predicted to alter the reading frame and introduce a premature termination codon and is predicted to result in an absent or altered protein product. Loss of function is an established disease mechanism for PAPSS2-associated disorders. Also, this variant is rare in population databases. Based on the currently available evidence, this variant is classified as likely pathogenic.